The following is an entry in ClinVar:

NM_004519.4(KCNQ3):c.1465+7C>G

Gene: KCNQ3 (potassium voltage-gated channel subfamily Q member 3; minus strand). Cytogenetic location: 8q24.22.
Variant type: single nucleotide variant.
Coding change: c.1465+7C>G on transcript NM_004519.4 (MANE Select); 7 bases into the intron after coding-DNA position 1465, C replaced by G.
Molecular consequence: intron variant.
Genome position (GRCh38, 1-based): chr8:132,141,122, G>C on the plus strand (C>G on the coding strand, the complement: KCNQ3 is on the minus strand). VCF-style: chr8-132141122-G-C. GRCh37 (hg19) VCF-style: chr8-133153369-G-C.
Other names: c.1105+7C>G (NM_001204824.2).
Identifiers: ClinVar variation 2571320 (VCV002571320.27), dbSNP rs2536882134, ClinGen allele CA2580617231.
Genomic context (GRCh38, chr8:132,141,122, plus strand): 5'-GAGGAAGGAAGTGGACTTGGGGGAGGAAGAAGTGGAAGAGACAGGGAGGGAGATAAAAAG[G>C]CATTACCTTCAGAACTCTGCCAGAAAGCGTAGGCTTTCATGCGGAAGGCCGTGCGGAAAC-3'

ClinVar aggregate classification (germline): Uncertain significance (1 of 4 stars; one submission).

Allele frequency attached by ClinVar (database versions not stated): gnomAD exomes below 0.00001.
gnomAD v4.1: 1 of 1,613,264 alleles (0.000062%); highest among the groups gnomAD compares: Non-Finnish European, 0.000085%; no homozygotes.

Submission:

CeGaT Center for Human Genetics Tuebingen
Classification: Uncertain significance. Last evaluated: 2023-06-01. Review status: criteria provided, single submitter. Criteria: CeGaT Center For Human Genetics Tuebingen Variant Classification Criteria Version 2. Collection method: clinical testing. Allele origin: germline. Affected: yes. Observed: 1 variant allele.
Comment: KCNQ3: PM2, BP4